The following is an entry in ClinVar:

ClinVar aggregate classification (germline): not provided (0 of 4 stars; one submission).

Allele frequency attached by ClinVar (database versions not stated): gnomAD exomes below 0.00001; ExAC 0.00001.

Submission:

ITMI
No classification provided. Condition: AllHighlyPenetrant. Last evaluated: 2013-09-19. Review status: no classification provided. Collection method: reference population. Allele origin: germline.
Comment: Please see associated publication for description of ethnicities

Literature cited by the submitters: PubMed 24728327.

NM_000400.4(ERCC2):c.1119-57dup

Gene: ERCC2 (ERCC excision repair 2, TFIIH core complex helicase subunit; minus strand). Cytogenetic location: 19q13.32.
Variant type: Duplication.
Coding change: c.1119-57dup on transcript NM_000400.4 (MANE Select); 57 bases into the intron before coding-DNA position 1119, one base duplicated (T; older notation c.1119-57dupT).
Molecular consequence: intron variant.
Genome position (GRCh38, 1-based): chr19:45,361,699, A duplicated on the plus strand (T on the coding strand, the reverse complement: ERCC2 is on the minus strand). VCF-style (leftmost placement, unchanged base first): chr19-45361698-C-CA. GRCh37 (hg19) VCF-style: chr19-45864956-C-CA.
Other names: c.1047-57dup (NM_001130867.2).
Identifiers: ClinVar variation 135526 (VCV000135526.1), dbSNP rs587777942, ClinGen allele CA162983.